The following is an entry in ClinVar:

ClinVar aggregate classification (germline): Conflicting classifications of pathogenicity. Review status: criteria provided, conflicting classifications (1 of 4 stars). 5 submissions from 5 submitters: Uncertain significance (4); Likely benign (1). Last evaluated 2025-09-23.

Conditions:
Cardiomyopathy (CMYO). Also called: Cardiomyopathies. Identifiers: Orphanet 167848, MedGen C0878544, MONDO:0004994, HP:0001638. Inheritance: Various modes of inheritance.
DSP-related disorder. Also called: DSP-related condition; DSP-related disorders.
Cardiovascular phenotype. Identifiers: MedGen CN230736.
Arrhythmogenic cardiomyopathy with wooly hair and keratoderma. Also called: Arrhythmogenic cardiomyopathy with woolly hair and keratoderma; PALMOPLANTAR KERATODERMA WITH LEFT VENTRICULAR CARDIOMYOPATHY AND WOOLLY HAIR; Carvajal syndrome; Dilated cardiomyopathy with woolly hair and keratoderma. Identifiers: Orphanet 65282, MedGen C1854063, MONDO:0011581, OMIM 605676.
Arrhythmogenic right ventricular dysplasia 8 (ARVD8). Also called: ARRHYTHMOGENIC RIGHT VENTRICULAR DYSPLASIA, FAMILIAL, 8; ARRHYTHMOGENIC RIGHT VENTRICULAR CARDIOMYOPATHY 8; Arrhythmogenic Right Ventricular Dysplasia/Cardiomyopathy 8. Identifiers: MedGen C1843896, MONDO:0011831, OMIM 607450.

Allele frequency attached by ClinVar (database versions not stated): gnomAD exomes 0.00001; ExAC 0.00002; gnomAD 0.00002; TOPMed 0.00002.

Submissions (5):

PreventionGenetics, part of Exact Sciences
Classification: Uncertain significance for DSP-related condition. Last evaluated: 2025-09-23. Review status: criteria provided, single submitter. Criteria: ACMG Guidelines, 2015. Collection method: clinical testing. Allele origin: germline.
Comment: The DSP c.3167A>G variant is predicted to result in the amino acid substitution p.Lys1056Arg. To our knowledge, this variant has not been reported in the literature. This variant is reported in 0.0062% of alleles in individuals of African descent in gnomAD. At this time, the clinical significance of this variant is uncertain due to the absence of conclusive functional and genetic evidence.

GeneDx
Classification: Uncertain significance. Last evaluated: 2025-08-05. Review status: criteria provided, single submitter. Criteria: GeneDx Variant Classification Process June 2021. Collection method: clinical testing. Allele origin: germline. Affected: yes.
Comment: Not observed at significant frequency in large population cohorts (gnomAD); In silico analysis suggests that this missense variant does not alter protein structure/function; Has not been previously published as pathogenic or benign to our knowledge

Color Diagnostics, LLC DBA Color Health
Classification: Uncertain significance for Cardiomyopathy. Last evaluated: 2024-03-06. Review status: criteria provided, single submitter. Criteria: ACMG Guidelines, 2015. Collection method: clinical testing. Allele origin: germline.
Comment: This missense variant replaces lysine with arginine at codon 1056 of the DSP protein. Computational prediction suggests that this variant may not impact protein structure and function (internally defined REVEL score threshold <= 0.5, PMID: 27666373). To our knowledge, functional studies have not been reported for this variant. This variant has not been reported in individuals affected with DSP-related disorders in the literature. This variant has been identified in 3/251004 chromosomes in the general population by the Genome Aggregation Database (gnomAD). The available evidence is insufficient to determine the role of this variant in disease conclusively. Therefore, this variant is classified as a Variant of Uncertain Significance.

Labcorp Genetics (formerly Invitae), Labcorp
Classification: Likely benign for Arrhythmogenic cardiomyopathy with wooly hair and keratoderma; Arrhythmogenic right ventricular dysplasia 8. Last evaluated: 2023-06-30. Review status: criteria provided, single submitter. Criteria: Invitae Variant Classification Sherloc (09022015). Collection method: clinical testing. Allele origin: germline.

Ambry Genetics
Classification: Uncertain significance for Cardiovascular phenotype. Last evaluated: 2023-03-08. Review status: criteria provided, single submitter. Criteria: Ambry Variant Classification Scheme 2023. Collection method: clinical testing. Allele origin: germline.
Comment: The p.K1056R variant (also known as c.3167A>G), located in coding exon 23 of the DSP gene, results from an A to G substitution at nucleotide position 3167. The lysine at codon 1056 is replaced by arginine, an amino acid with highly similar properties. This amino acid position is well conserved in available vertebrate species. In addition, the in silico prediction for this alteration is inconclusive. Since supporting evidence is limited at this time, the clinical significance of this alteration remains unclear.

NM_004415.4(DSP):c.3167A>G (p.Lys1056Arg)

Gene: DSP (desmoplakin; plus strand). Cytogenetic location: 6p24.3.
Variant type: single nucleotide variant.
Coding change: c.3167A>G on transcript NM_004415.4 (MANE Select); coding-DNA position 3167, A replaced by G.
Protein change: p.Lys1056Arg; replaces lysine 1056 with arginine.
Molecular consequence: missense variant.
Genome position (GRCh38, 1-based): chr6:7,579,357, A>G. VCF-style: chr6-7579357-A-G. GRCh37 (hg19) VCF-style: chr6-7579590-A-G.
Other names: c.3167A>G (NM_004415.3); c.3167A>G, p.Lys1056Arg (NM_001008844.3, NM_001319034.2); short protein forms K1056R.
Identifiers: ClinVar variation 1728377 (VCV001728377.10), dbSNP rs771137827, ClinGen allele CA037391.